The following is an entry in ClinVar:

ClinVar aggregate classification (germline): Conflicting classifications of pathogenicity. Review status: criteria provided, conflicting classifications (1 of 4 stars). 4 submissions from 4 submitters: Uncertain significance (3); Likely benign (1). Last evaluated 2025-07-21.

Conditions:
Cardiovascular phenotype. Identifiers: MedGen CN230736.

Allele frequency attached by ClinVar (database versions not stated): gnomAD exomes 0.00003; ExAC 0.00006; gnomAD 0.00006 and 0.00007; TOPMed 0.00010.
gnomAD v4.1: 60 of 1,547,036 alleles (0.0039%); highest among the groups gnomAD compares: African/African-American, 0.0068%; no homozygotes.

Submissions (4):

Labcorp Genetics (formerly Invitae), Labcorp
Classification: Uncertain significance. Last evaluated: 2025-07-21. Review status: criteria provided, single submitter. Criteria: Invitae Variant Classification Sherloc (09022015). Collection method: clinical testing. Allele origin: germline.
Comment: This sequence change replaces arginine, which is basic and polar, with tryptophan, which is neutral and slightly polar, at codon 1581 of the ZNF469 protein (p.Arg1581Trp). This variant is present in population databases (rs564352128, gnomAD 0.009%). This variant has not been reported in the literature in individuals affected with ZNF469-related conditions. ClinVar contains an entry for this variant (Variation ID: 1254835). An algorithm developed to predict the effect of missense changes on protein structure and function (PolyPhen-2) suggests that this variant is likely to be tolerated. In summary, the available evidence is currently insufficient to determine the role of this variant in disease. Therefore, it has been classified as a Variant of Uncertain Significance.

Ambry Genetics
Classification: Likely benign for Cardiovascular phenotype. Last evaluated: 2025-05-16. Review status: criteria provided, single submitter. Criteria: Ambry Variant Classification Scheme 2023. Collection method: clinical testing. Allele origin: germline.

CeGaT Center for Human Genetics Tuebingen
Classification: Uncertain significance. Last evaluated: 2024-06-01. Review status: criteria provided, single submitter. Criteria: CeGaT Center For Human Genetics Tuebingen Variant Classification Criteria Version 2. Collection method: clinical testing. Allele origin: germline. Affected: yes. Observed: 1 variant allele.
Comment: ZNF469: PM2, BP4

GeneDx
Classification: Uncertain significance. Last evaluated: 2021-07-23. Review status: criteria provided, single submitter. Criteria: GeneDx Variant Classification Process June 2021. Collection method: clinical testing. Allele origin: germline. Affected: yes.
Comment: Not observed at significant frequency in large population cohorts (Lek et al., 2016); In silico analysis supports that this missense variant does not alter protein structure/function; Has not been previously published as pathogenic or benign to our knowledge

NM_001367624.2(ZNF469):c.4825C>T (p.Arg1609Trp)

Gene: ZNF469 (zinc finger protein 469; plus strand). Cytogenetic location: 16q24.2.
Variant type: single nucleotide variant.
Coding change: c.4825C>T on transcript NM_001367624.2 (MANE Select); coding-DNA position 4825, C replaced by T.
Protein change: p.Arg1609Trp; replaces arginine 1609 with tryptophan.
Molecular consequence: missense variant.
Genome position (GRCh38, 1-based): chr16:88,432,295, C>T. VCF-style: chr16-88432295-C-T. GRCh37 (hg19) VCF-style: chr16-88498703-C-T.
Other names: NM_001127464.1:c.4741C>T; short protein forms R1609W.
Identifiers: ClinVar variation 1254835 (VCV001254835.25), dbSNP rs564352128, ClinGen allele CA8225009.